The following is an entry in ClinVar:

ClinVar aggregate classification (germline): Uncertain significance (1 of 4 stars; one submission).

gnomAD v4.1: 1 of 1,613,854 alleles (0.000062%); highest among the groups gnomAD compares: Non-Finnish European, 0.000085%; no homozygotes.

Submission:

GeneDx
Classification: Uncertain significance. Last evaluated: 2023-07-12. Review status: criteria provided, single submitter. Criteria: GeneDx Variant Classification Process June 2021. Collection method: clinical testing. Allele origin: germline. Affected: yes.
Comment: Not observed at significant frequency in large population cohorts (gnomAD); In silico analysis supports that this missense variant has a deleterious effect on protein structure/function; Has not been previously published as pathogenic or benign to our knowledge; Variants in candidate genes are classified as variants of uncertain significance in accordance with ACMG guidelines (Richards et al., 2015)

NM_015705.6(SGSM3):c.1901G>C (p.Arg634Pro)

Gene: SGSM3 (small G protein signaling modulator 3; plus strand). Cytogenetic location: 22q13.1.
Variant type: single nucleotide variant.
Coding change: c.1901G>C on transcript NM_015705.6 (MANE Select); coding-DNA position 1901, G replaced by C.
Protein change: p.Arg634Pro; replaces arginine 634 with proline.
Molecular consequence: missense variant. On other transcripts: non-coding transcript variant (4).
Genome position (GRCh38, 1-based): chr22:40,408,841, G>C. VCF-style: chr22-40408841-G-C. GRCh37 (hg19) VCF-style: chr22-40804845-G-C.
Other names: c.1634G>C, p.Arg545Pro (NM_001301849.2); c.1901G>C, p.Arg634Pro (NM_001350039.2, NM_001350040.2, NM_001350041.2); c.1712G>C, p.Arg571Pro (NM_001350042.2, NM_001350044.2, NM_001350045.2); c.1700G>C, p.Arg567Pro (NM_001350043.2, NM_001350046.2, NM_001350047.2); c.1403G>C, p.Arg468Pro (NM_001350048.2); short protein forms R468P, R545P, R567P, R571P, R634P.
Identifiers: ClinVar variation 3360757 (VCV003360757.1).